The following is an entry in ClinVar:

ClinVar aggregate classification (germline): Uncertain significance (1 of 4 stars; one submission).

gnomAD v4.1: 1 of 1,581,840 alleles (0.000063%); no homozygotes.

Submission:

Ambry Genetics
Classification: Uncertain significance. Last evaluated: 2024-06-12. Review status: criteria provided, single submitter. Criteria: Ambry Variant Classification Scheme 2023. Collection method: clinical testing. Allele origin: germline.
Comment: The p.F986L variant (also known as c.2958C>G), located in coding exon 16 of the POLQ gene, results from a C to G substitution at nucleotide position 2958. The phenylalanine at codon 986 is replaced by leucine, an amino acid with highly similar properties. This amino acid position is conserved. In addition, this alteration is predicted to be tolerated by in silico analysis. Based on the available evidence, the clinical significance of this variant remains unclear.

NM_199420.4(POLQ):c.2958C>G (p.Phe986Leu)

Gene: POLQ (DNA polymerase theta; minus strand). Cytogenetic location: 3q13.33.
Variant type: single nucleotide variant.
Coding change: c.2958C>G on transcript NM_199420.4 (MANE Select); coding-DNA position 2958, C replaced by G.
Protein change: p.Phe986Leu; replaces phenylalanine 986 with leucine.
Molecular consequence: missense variant.
Genome position (GRCh38, 1-based): chr3:121,489,973, G>C on the plus strand (C>G on the coding strand, the complement: POLQ is on the minus strand). VCF-style: chr3-121489973-G-C. GRCh37 (hg19) VCF-style: chr3-121208820-G-C.
Other names: short protein forms F986L.
Identifiers: ClinVar variation 3308729 (VCV003308729.1).
Genomic context (GRCh38, chr3:121,489,973, plus strand): 5'-ATTCTGAGAGGCTCCTGGCTTCTCTTTATTTATATCTAAAGAGGCCCGTTTTCTTGCTCT[G>C]AAAATGGAACATGTCTGATGTTCTTGATTCCCATTCTGGAAATTACAATTAAAGGAACTT-3'
Protein context (NP_955452.3, residues 976-996): GNQEHQTCSI[Phe986Leu]RARKRASLDI